The following is an entry in ClinVar:

NM_178565.5(RSPO2):c.415A>G (p.Met139Val)

Gene: RSPO2 (R-spondin 2; minus strand). Cytogenetic location: 8q23.1.
Variant type: single nucleotide variant.
Coding change: c.415A>G on transcript NM_178565.5 (MANE Select); coding-DNA position 415, A replaced by G.
Protein change: p.Met139Val; replaces methionine 139 with valine.
Molecular consequence: missense variant.
Genome position (GRCh38, 1-based): chr8:107,960,686, T>C on the plus strand (A>G on the coding strand, the complement: RSPO2 is on the minus strand). VCF-style: chr8-107960686-T-C. GRCh37 (hg19) VCF-style: chr8-108972914-T-C.
Other names: c.415A>G (NM_178565.4); c.226A>G, p.Met76Val (NM_001282863.2); c.214A>G, p.Met72Val (NM_001317942.2); short protein forms M139V, M72V, M76V.
Identifiers: ClinVar variation 2152532 (VCV002152532.2), dbSNP rs373151135, ClinGen allele CA4841592.

ClinVar aggregate classification (germline): Uncertain significance. Review status: criteria provided, multiple submitters, no conflicts (2 of 4 stars). 2 submissions from 2 submitters: Uncertain significance (2). Last evaluated 2025-08-28.

Allele frequency attached by ClinVar (database versions not stated): ExAC 0.00004; TOPMed 0.00008; gnomAD 0.00009; ESP Exome Variant Server 0.00015; gnomAD exomes 0.00027.

Submissions (2):

Ambry Genetics
Classification: Uncertain significance. Last evaluated: 2025-08-28. Review status: criteria provided, single submitter. Criteria: Ambry Variant Classification Scheme 2023. Collection method: clinical testing. Allele origin: germline.

Labcorp Genetics (formerly Invitae), Labcorp
Classification: Uncertain significance. Last evaluated: 2022-06-15. Review status: criteria provided, single submitter. Criteria: Invitae Variant Classification Sherloc (09022015). Collection method: clinical testing. Allele origin: germline.
Comment: This sequence change replaces methionine, which is neutral and non-polar, with valine, which is neutral and non-polar, at codon 139 of the RSPO2 protein (p.Met139Val). This variant is present in population databases (rs373151135, gnomAD 0.01%). This variant has not been reported in the literature in individuals affected with RSPO2-related conditions. Algorithms developed to predict the effect of missense changes on protein structure and function are either unavailable or do not agree on the potential impact of this missense change (SIFT: "Deleterious"; PolyPhen-2: "Benign"; Align-GVGD: "Class C15"). In summary, the available evidence is currently insufficient to determine the role of this variant in disease. Therefore, it has been classified as a Variant of Uncertain Significance.